The following is an entry in ClinVar:

NM_020937.4(FANCM):c.4515+4A>G

Gene: FANCM (FA complementation group M; plus strand). Cytogenetic location: 14q21.2.
Variant type: single nucleotide variant.
Coding change: c.4515+4A>G on transcript NM_020937.4 (MANE Select); 4 bases into the intron after coding-DNA position 4515, A replaced by G.
Molecular consequence: intron variant.
Genome position (GRCh38, 1-based): chr14:45,183,906, A>G. VCF-style: chr14-45183906-A-G. GRCh37 (hg19) VCF-style: chr14-45653109-A-G.
Other names: c.4437+4A>G (NM_001308133.2).
Identifiers: ClinVar variation 2015875 (VCV002015875.4), dbSNP rs758501982, ClinGen allele CA2580088126.
Genomic context (GRCh38, chr14:45,183,906, plus strand): 5'-TGTAACGGGAATGCCAGAAGAGGCATCAAAGTCCCAAAGAGACAGAGTCACTTAAAGGTA[A>G]TCTTTTTTTTAGTTTCTTTAAATATGTATGCATTTTATCAGTAAAGATAATTGGTTTTAC-3'

ClinVar aggregate classification (germline): Uncertain significance (1 of 4 stars; one submission).

Conditions:
Fanconi anemia (FA). Also called: Fanconi's anemia. Identifiers: Orphanet 84, MedGen C0015625, MeSH D005199, MONDO:0019391.

Submission:

Labcorp Genetics (formerly Invitae), Labcorp
Classification: Uncertain significance for Fanconi anemia. Last evaluated: 2021-12-02. Review status: criteria provided, single submitter. Criteria: Invitae Variant Classification Sherloc (09022015). Collection method: clinical testing. Allele origin: germline.
Comment: Variants that disrupt the consensus splice site are a relatively common cause of aberrant splicing (PMID: 17576681, 9536098). Algorithms developed to predict the effect of sequence changes on RNA splicing suggest that this variant may disrupt the consensus splice site. In summary, the available evidence is currently insufficient to determine the role of this variant in disease. Therefore, it has been classified as a Variant of Uncertain Significance. This variant has not been reported in the literature in individuals affected with FANCM-related conditions. This variant is not present in population databases (gnomAD no frequency). This sequence change falls in intron 17 of the FANCM gene. It does not directly change the encoded amino acid sequence of the FANCM protein. It affects a nucleotide within the consensus splice site.

Literature cited by the submitters: PubMed 17576681; PubMed 9536098.